The following is an entry in ClinVar:

ClinVar aggregate classification (germline): Uncertain significance (1 of 4 stars; one submission).

Conditions:
Dilated cardiomyopathy 1G (CMD1G). Identifiers: Orphanet 154, MedGen C1858763, MONDO:0011400, OMIM 604145.
Autosomal recessive limb-girdle muscular dystrophy type 2J (LGMDR10). Also called: Limb-girdle muscular dystrophy, type 2J; MUSCULAR DYSTROPHY, LIMB-GIRDLE, AUTOSOMAL RECESSIVE 10. Identifiers: Orphanet 140922, MedGen C1837342, MONDO:0012127, OMIM 608807.

Allele frequency attached by ClinVar (database versions not stated): gnomAD exomes below 0.00001.
gnomAD v4.1: 1 of 1,613,736 alleles (0.000062%); highest among the groups gnomAD compares: South Asian, 0.0011%; no homozygotes.

Submission:

Labcorp Genetics (formerly Invitae), Labcorp
Classification: Uncertain significance for Dilated cardiomyopathy 1G; Autosomal recessive limb-girdle muscular dystrophy type 2J. Last evaluated: 2024-02-15. Review status: criteria provided, single submitter. Criteria: Invitae Variant Classification Sherloc (09022015). Collection method: clinical testing. Allele origin: germline.
Comment: This sequence change replaces serine, which is neutral and polar, with proline, which is neutral and non-polar, at codon 34387 of the TTN protein (p.Ser34387Pro). This variant is not present in population databases (gnomAD no frequency). This variant has not been reported in the literature in individuals affected with TTN-related conditions. Experimental studies and prediction algorithms are not available or were not evaluated, and the functional significance of this variant is currently unknown. This variant is located in the M band of TTN (PMID: 25589632). Non-truncating variants in this region may be relevant for neuromuscular disorders, but have not been definitively shown to cause cardiomyopathy (PMID: 23975875). In summary, the available evidence is currently insufficient to determine the role of this variant in disease. Therefore, it has been classified as a Variant of Uncertain Significance.

Literature cited by the submitters: PubMed 25589632; PubMed 23975875.

NM_001267550.2(TTN):c.103159T>C (p.Ser34387Pro)

Genes: TTN-AS1 (TTN antisense RNA 1; plus strand), TTN (titin; minus strand). Cytogenetic location: 2q31.2.
Variant type: single nucleotide variant.
Coding change: c.103159T>C on transcript NM_001267550.2 (MANE Select); coding-DNA position 103159, T replaced by C.
Protein change: p.Ser34387Pro; replaces serine 34387 with proline.
Molecular consequence: missense variant.
Genome position (GRCh38, 1-based): chr2:178,533,456, A>G on the plus strand (T>C on the coding strand, the complement: TTN is on the minus strand). VCF-style: chr2-178533456-A-G. GRCh37 (hg19) VCF-style: chr2-179398183-A-G.
Other names: c.98236T>C, p.Ser32746Pro (NM_001256850.1); c.75964T>C, p.Ser25322Pro (NM_003319.4); c.95455T>C, p.Ser31819Pro (NM_133378.4); c.76339T>C, p.Ser25447Pro (NM_133432.3); c.76540T>C, p.Ser25514Pro (NM_133437.4); short protein forms S25322P, S25514P, S25447P, S31819P, S32746P, S34387P.
Identifiers: ClinVar variation 2939542 (VCV002939542.3), dbSNP rs2468493780, ClinGen allele CA349414960.